The following is an entry in ClinVar:

NC_000012.12:g.121641371A>G

Gene: ORAI1 (ORAI calcium release-activated calcium modulator 1; plus strand). Cytogenetic location: 12q24.31.
Variant type: single nucleotide variant.
Genome position: GRCh38 VCF-style: chr12-121641371-A-G. GRCh37 (hg19) VCF-style: chr12-122079277-A-G.
Other names: c.634A>G, p.Thr212Ala (NM_032790.4); short protein forms T212A.
Identifiers: ClinVar variation 1516997 (VCV001516997.6), dbSNP rs2136853101, ClinGen allele CA386983996.
Genomic context (GRCh38, chr12:121,641,371, plus strand): 5'-GTGCTGCTCTGCTGGGTCAAGTTCTTGCCCCTCAAGAAGCAGCCAGGCCAGCCAAGGCCC[A>G]CCAGCAAGCCCCCCGCCAGTGGCGCAGCAGCCAACGTCAGCACCAGCGGCATCACCCCGG-3'

ClinVar aggregate classification (germline): Uncertain significance (1 of 4 stars; one submission).

Conditions:
Combined immunodeficiency due to ORAI1 deficiency. Also called: IMMUNODEFICIENCY 9. Identifiers: Orphanet 169090, Orphanet 317428, MedGen C2748568, MONDO:0013007, OMIM 612782.
Myopathy, tubular aggregate, 2 (TAM2). Identifiers: MedGen C4014557, MONDO:0014383, OMIM 615883.

Submission:

Labcorp Genetics (formerly Invitae), Labcorp
Classification: Uncertain significance for Myopathy, tubular aggregate, 2; Combined immunodeficiency due to ORAI1 deficiency. Last evaluated: 2025-10-01. Review status: criteria provided, single submitter. Criteria: Invitae Variant Classification Sherloc (09022015). Collection method: clinical testing. Allele origin: germline.
Comment: This sequence change replaces threonine, which is neutral and polar, with alanine, which is neutral and non-polar, at codon 212 of the ORAI1 protein (p.Thr212Ala). This variant is not present in population databases (gnomAD no frequency). This variant has not been reported in the literature in individuals affected with ORAI1-related conditions. ClinVar contains an entry for this variant (Variation ID: 1516997). Experimental studies and prediction algorithms are not available or were not evaluated, and the functional significance of this variant is currently unknown. In summary, the available evidence is currently insufficient to determine the role of this variant in disease. Therefore, it has been classified as a Variant of Uncertain Significance.